The following is an entry in ClinVar:

NM_022489.4(INF2):c.466G>A (p.Glu156Lys)

Gene: INF2 (inverted formin 2; plus strand). Cytogenetic location: 14q32.33.
Variant type: single nucleotide variant.
Coding change: c.466G>A on transcript NM_022489.4 (MANE Select); coding-DNA position 466, G replaced by A.
Protein change: p.Glu156Lys; replaces glutamic acid 156 with lysine.
Molecular consequence: missense variant.
Genome position (GRCh38, 1-based): chr14:104,703,179, G>A. VCF-style: chr14-104703179-G-A. GRCh37 (hg19) VCF-style: chr14-105169516-G-A.
Other names: c.466G>A, p.Glu156Lys (NM_001031714.4, NM_032714.3); short protein forms E156K.
Identifiers: ClinVar variation 1742307 (VCV001742307.9), dbSNP rs751772396, ClinGen allele CA7372302.
Genomic context (GRCh38, chr14:104,703,179, plus strand): 5'-AACGTGATGGTGAAGAAGCAGGTGTTTGAGCTACTGGCTGCCCTGTGCATCTACTCTCCC[G>A]AGGGCCACGTGCTGACCCTGGACGCCCTGGACCACTACAAGGTGGGCGGCAGGGCCTGGG-3'
Protein context (NP_071934.3, residues 146-166): LLAALCIYSP[Glu156Lys]GHVLTLDALD

ClinVar aggregate classification (germline): Conflicting classifications of pathogenicity. Review status: criteria provided, conflicting classifications (1 of 4 stars). 3 submissions from 3 submitters: Uncertain significance (2); Likely benign (1). Last evaluated 2026-03-26.

Conditions:
INF2-related disorder. Also called: INF2-related condition.
Focal segmental glomerulosclerosis 5 (FSGS5). Identifiers: Orphanet 656, MedGen C2750475, MONDO:0013191, OMIM 613237.
Charcot-Marie-Tooth disease dominant intermediate E. Also called: CHARCOT-MARIE-TOOTH NEUROPATHY WITH FOCAL SEGMENTAL GLOMERULONEPHRITIS. Identifiers: Orphanet 93114, MedGen C4302667, MONDO:0013758, OMIM 614455.
Inborn genetic diseases. Identifiers: MedGen C0950123, MeSH D030342.

Allele frequency attached by ClinVar (database versions not stated): gnomAD exomes 0.00001; TOPMed 0.00002; ExAC 0.00003; gnomAD 0.00003; 1000 Genomes Project 30x 0.00016.

Submissions (4):

PreventionGenetics, part of Exact Sciences
Classification: Uncertain significance for INF2-related condition. Last evaluated: 2026-03-26. Review status: criteria provided, single submitter. Criteria: ACMG Guidelines, 2015. Collection method: clinical testing. Allele origin: germline.
Comment: The INF2 c.466G>A variant is predicted to result in the amino acid substitution p.Glu156Lys. To our knowledge, this variant has not been reported in the literature. This variant is reported in 0.020% of alleles in individuals of East Asian descent in gnomAD. Although we suspect that this variant may be benign, at this time, the clinical significance of this variant is uncertain due to the absence of conclusive functional and genetic evidence.

Labcorp Genetics (formerly Invitae), Labcorp
Classification: Uncertain significance for Charcot-Marie-Tooth disease dominant intermediate E; Focal segmental glomerulosclerosis 5. Last evaluated: 2024-12-04. Review status: criteria provided, single submitter. Criteria: Invitae Variant Classification Sherloc (09022015). Collection method: clinical testing. Allele origin: germline.
Comment: This sequence change replaces glutamic acid, which is acidic and polar, with lysine, which is basic and polar, at codon 156 of the INF2 protein (p.Glu156Lys). This variant is present in population databases (rs751772396, gnomAD 0.02%). This variant has not been reported in the literature in individuals affected with INF2-related conditions. ClinVar contains an entry for this variant (Variation ID: 1742307). Invitae Evidence Modeling of protein sequence and biophysical properties (such as structural, functional, and spatial information, amino acid conservation, physicochemical variation, residue mobility, and thermodynamic stability) has been performed for this missense variant. However, the output from this modeling did not meet the statistical confidence thresholds required to predict the impact of this variant on INF2 protein function. In summary, the available evidence is currently insufficient to determine the role of this variant in disease. Therefore, it has been classified as a Variant of Uncertain Significance.

Ambry Genetics
Classification: Likely benign for Inborn genetic diseases. Last evaluated: 2021-11-20. Review status: criteria provided, single submitter. Criteria: Ambry Variant Classification Scheme 2023. Collection method: clinical testing. Allele origin: germline.

Dr. Peter K. Rogan Lab, Western University
No classification provided (evidence only). Condition: Melanoma. Review status: no classification provided. Collection method: in vitro. Allele origin: not applicable. Functional consequence: skipped exon. Not counted in ClinVar's aggregate classification.